The following is an entry in ClinVar:

NM_004456.5(EZH2):c.2187T>G (p.Phe729Leu)

Gene: EZH2 (enhancer of zeste 2 polycomb repressive complex 2 subunit; minus strand). Cytogenetic location: 7q36.1.
Variant type: single nucleotide variant.
Coding change: c.2187T>G on transcript NM_004456.5 (MANE Select); coding-DNA position 2187, T replaced by G.
Protein change: p.Phe729Leu; replaces phenylalanine 729 with leucine.
Molecular consequence: missense variant.
Genome position (GRCh38, 1-based): chr7:148,809,079, A>C on the plus strand (T>G on the coding strand, the complement: EZH2 is on the minus strand). VCF-style: chr7-148809079-A-C. GRCh37 (hg19) VCF-style: chr7-148506171-A-C.
Other names: c.2172T>G, p.Phe724Leu (NM_001203247.2); c.2145T>G, p.Phe715Leu (NM_001203248.2); c.2019T>G, p.Phe673Leu (NM_001203249.2); c.2055T>G, p.Phe685Leu (NM_152998.3); short protein forms F673L, F685L, F715L, F724L, F729L.
Identifiers: ClinVar variation 648972 (VCV000648972.1), dbSNP rs1584862620, ClinGen allele CA369711900.

ClinVar aggregate classification (germline): Likely pathogenic (1 of 4 stars; one submission).

Conditions:
Weaver syndrome (WVS). Also called: Weaver Smith syndrome; Overgrowth syndrome with accelerated skeletal maturation, unusual facies, and camptodactyly. Identifiers: Orphanet 3447, MedGen C0265210, MONDO:0010193, OMIM 277590.

Submission:

Labcorp Genetics (formerly Invitae), Labcorp
Classification: Likely pathogenic for Weaver syndrome. Last evaluated: 2018-10-10. Review status: criteria provided, single submitter. Criteria: Invitae Variant Classification Sherloc (09022015). Collection method: clinical testing. Allele origin: germline.
Comment: This sequence change replaces phenylalanine with leucine at codon 729 of the EZH2 protein (p.Phe729Leu). The phenylalanine residue is highly conserved and there is a small physicochemical difference between phenylalanine and leucine. This variant is not present in population databases (ExAC no frequency). This variant has been observed to be de novo in an individual affected with clinical features of Weaver syndrome (Invitae). Algorithms developed to predict the effect of missense changes on protein structure and function are either unavailable or do not agree on the potential impact of this missense change (SIFT: "Deleterious"; PolyPhen-2: "Probably Damaging"; Align-GVGD: "Class C0"). In summary, the currently available evidence indicates that the variant is pathogenic, but additional data are needed to prove that conclusively. Therefore, this variant has been classified as Likely Pathogenic.